The following is an entry in ClinVar:

ClinVar aggregate classification (germline): Uncertain significance (1 of 4 stars; one submission).

Conditions:
Colorectal cancer, hereditary nonpolyposis, type 7. Identifiers: Orphanet 144, MedGen C1858380, MONDO:0013725, OMIM 614385.

gnomAD v4.1: 1 of 1,614,104 alleles (0.000062%); highest among the groups gnomAD compares: Non-Finnish European, 0.000085%; no homozygotes.

Submission:

Labcorp Genetics (formerly Invitae), Labcorp
Classification: Uncertain significance for Colorectal cancer, hereditary nonpolyposis, type 7. Last evaluated: 2024-12-22. Review status: criteria provided, single submitter. Criteria: Invitae Variant Classification Sherloc (09022015). Collection method: clinical testing. Allele origin: germline.
Comment: This sequence change replaces lysine, which is basic and polar, with arginine, which is basic and polar, at codon 1060 of the MLH3 protein (p.Lys1060Arg). This variant is not present in population databases (gnomAD no frequency). This variant has not been reported in the literature in individuals affected with MLH3-related conditions. An algorithm developed to predict the effect of missense changes on protein structure and function outputs the following: PolyPhen-2: "Benign". The arginine amino acid residue is found in multiple mammalian species, which suggests that this missense change does not adversely affect protein function. In summary, the available evidence is currently insufficient to determine the role of this variant in disease. Therefore, it has been classified as a Variant of Uncertain Significance.

NM_001040108.2(MLH3):c.3179A>G (p.Lys1060Arg)

Gene: MLH3 (mutL homolog 3; minus strand). Cytogenetic location: 14q24.3.
Variant type: single nucleotide variant.
Coding change: c.3179A>G on transcript NM_001040108.2 (MANE Select); coding-DNA position 3179, A replaced by G.
Protein change: p.Lys1060Arg; replaces lysine 1060 with arginine.
Molecular consequence: missense variant.
Genome position (GRCh38, 1-based): chr14:75,046,477, T>C on the plus strand (A>G on the coding strand, the complement: MLH3 is on the minus strand). VCF-style: chr14-75046477-T-C. GRCh37 (hg19) VCF-style: chr14-75513180-T-C.
Other names: c.3179A>G, p.Lys1060Arg (NM_014381.3); short protein forms K1060R.
Identifiers: ClinVar variation 3621706 (VCV003621706.2).
Genomic context (GRCh38, chr14:75,046,477, plus strand): 5'-TTAGTACAAGCAGCCTGAATGTCCTCAGTTGGGGCAATGAATGTGCTGAGTCCAGTCATT[T>C]TGTTGACATAAACCATTCTTCCCAGGGCTACATCGAAATGCCGCTGCCAATCTGAACAAC-3'
Protein context (NP_001035197.1, residues 1050-1070): VALGRMVYVN[Lys1060Arg]MTGLSTFIAP